The following is an entry in ClinVar:

ClinVar aggregate classification (germline): Uncertain significance (1 of 4 stars; one submission).

Allele frequency attached by ClinVar (database versions not stated): ExAC 0.00001; gnomAD exomes 0.00001; ESP Exome Variant Server 0.00008.
gnomAD v4.1: 3 of 1,603,762 alleles (0.00019%); highest among the groups gnomAD compares: African/African-American, 0.004%; no homozygotes.

Submission:

Labcorp Genetics (formerly Invitae), Labcorp
Classification: Uncertain significance. Last evaluated: 2019-07-08. Review status: criteria provided, single submitter. Criteria: Invitae Variant Classification Sherloc (09022015). Collection method: clinical testing. Allele origin: germline.
Comment: Algorithms developed to predict the effect of missense changes on protein structure and function are either unavailable or do not agree on the potential impact of this missense change (SIFT: "Deleterious"; PolyPhen-2: "Benign"; Align-GVGD: "Class C25"). In summary, the available evidence is currently insufficient to determine the role of this variant in disease. Therefore, it has been classified as a Variant of Uncertain Significance. This variant has not been reported in the literature in individuals with CCT2-related conditions. This variant is present in population databases (rs377592128, ExAC 0.002%). This sequence change replaces arginine with lysine at codon 466 of the CCT2 protein (p.Arg466Lys). The arginine residue is highly conserved and there is a small physicochemical difference between arginine and lysine.

NM_006431.3(CCT2):c.1397G>A (p.Arg466Lys)

Gene: CCT2 (chaperonin containing TCP1 subunit 2; plus strand). Cytogenetic location: 12q15.
Variant type: single nucleotide variant.
Coding change: c.1397G>A on transcript NM_006431.3 (MANE Select); coding-DNA position 1397, G replaced by A.
Protein change: p.Arg466Lys; replaces arginine 466 with lysine.
Molecular consequence: missense variant.
Genome position (GRCh38, 1-based): chr12:69,598,383, G>A. VCF-style: chr12-69598383-G-A. GRCh37 (hg19) VCF-style: chr12-69992163-G-A.
Other names: c.1256G>A, p.Arg419Lys (NM_001198842.2); short protein forms R466K, R419K.
Identifiers: ClinVar variation 944730 (VCV000944730.9), dbSNP rs377592128, ClinGen allele CA6680855.
Genomic context (GRCh38, chr12:69,598,383, plus strand): 5'-TGCCAACCATCATAGCTGACAATGCAGGCTATGACAGTGCAGACCTGGTGGCACAGCTCA[G>A]GGCTGCTCACAGTGAAGGCAATACCACTGCTGGATTGGGTAAGCAATCAAGGGGAACTTT-3'
Protein context (NP_006422.1, residues 456-476): YDSADLVAQL[Arg466Lys]AAHSEGNTTA